The following is an entry in ClinVar:

ClinVar aggregate classification (germline): Uncertain significance (1 of 4 stars; one submission).

Conditions:
Developmental and epileptic encephalopathy, 36 (DEE36). Also called: ALG13-CDG; Congenital disorder of glycosylation, type Is; Epileptic encephalopathy, early infantile, 36. Identifiers: Orphanet 324422, MedGen C4317295, MONDO:0010472, OMIM 300884.

Allele frequency attached by ClinVar (database versions not stated): TOPMed 0.00001; ExAC 0.00002; gnomAD 0.00002; ESP Exome Variant Server 0.00012.

Submission:

Labcorp Genetics (formerly Invitae), Labcorp
Classification: Uncertain significance for Developmental and epileptic encephalopathy, 36. Last evaluated: 2021-08-27. Review status: criteria provided, single submitter. Criteria: Invitae Variant Classification Sherloc (09022015). Collection method: clinical testing. Allele origin: germline.
Comment: This sequence change replaces arginine with histidine at codon 466 of the ALG13 protein (p.Arg466His). The arginine residue is highly conserved and there is a small physicochemical difference between arginine and histidine. This variant is present in population databases (rs371858098, ExAC 0.003%). This variant has not been reported in the literature in individuals affected with ALG13-related conditions. Algorithms developed to predict the effect of missense changes on protein structure and function are either unavailable or do not agree on the potential impact of this missense change (SIFT: "Deleterious"; PolyPhen-2: "Probably Damaging"; Align-GVGD: "Class C0"). In summary, the available evidence is currently insufficient to determine the role of this variant in disease. Therefore, it has been classified as a Variant of Uncertain Significance.

NM_001099922.3(ALG13):c.1397G>A (p.Arg466His)

Gene: ALG13 (ALG13 UDP-N-acetylglucosaminyltransferase subunit; plus strand). Cytogenetic location: Xq23.
Variant type: single nucleotide variant.
Coding change: c.1397G>A on transcript NM_001099922.3 (MANE Select); coding-DNA position 1397, G replaced by A.
Protein change: p.Arg466His; replaces arginine 466 with histidine.
Molecular consequence: missense variant. On other transcripts: intron variant (1).
Genome position (GRCh38, 1-based): chrX:111,721,673, G>A. VCF-style: chrX-111721673-G-A. GRCh37 (hg19) VCF-style: chrX-110964901-G-A.
Other names: c.1085G>A, p.Arg362His (NM_001257230.2, NM_001257234.2, NM_001257237.2); c.1163G>A, p.Arg388His (NM_001257231.2); c.1397G>A, p.Arg466His (NM_001324292.2); c.1014+1503G>A (NM_001324293.1); short protein forms R362H, R388H, R466H.
Identifiers: ClinVar variation 1043175 (VCV001043175.6), dbSNP rs371858098, ClinGen allele CA10493709.